The following is an entry in ClinVar:

NM_007294.4(BRCA1):c.67del (p.Glu23fs)

Gene: BRCA1 (BRCA1 DNA repair associated; minus strand). Cytogenetic location: 17q21.31.
Variant type: Deletion.
Coding change: c.67del on transcript NM_007294.4 (MANE Select); coding-DNA position 67, one base deleted (G; older notation c.67delG).
Protein change: p.Glu23fs; shifts the reading frame from glutamic acid 23.
Molecular consequence: frameshift variant. On other transcripts: 5 prime UTR variant (1), non-coding transcript variant (1).
Genome position (GRCh38, 1-based): chr17:43,124,030, C deleted on the plus strand (G on the coding strand, the reverse complement: BRCA1 is on the minus strand). VCF-style (leftmost placement, unchanged base first): chr17-43124029-TC-T. GRCh37 (hg19) VCF-style: chr17-41276046-TC-T.
Other names: c.-122delG (NM_001407571.1, NM_001407853.1, NM_001407879.1 and 46 more transcripts); c.67delG, p.Glu23Serfs (NM_001407581.1, NM_001407582.1, NM_001407583.1 and 191 more transcripts); c.-191delG (NM_001407694.1, NM_001407724.1, NM_001407727.1 and 11 more transcripts); c.-195delG (NM_001407695.1, NM_001408465.1); c.-336delG (NM_001407696.1); c.-220delG (NM_001407697.1, NM_001407846.1, NM_001407920.1); c.-21delG (NM_001407698.1, NM_001407732.1, NM_001407736.1 and 22 more transcripts); c.-194delG (NM_001407725.1, NM_001407730.1, NM_001407734.1 and 22 more transcripts); and 10 more; short protein forms E23fs.
Identifiers: ClinVar variation 1755509 (VCV001755509.2), dbSNP rs2552278873, ClinGen allele CA500131370.
Genomic context (GRCh38, chr17:43,124,029, plus strand): 5'-GAGATAATCATAGGAATCCCAAATTAATACACTCTTGTGCTGACTTACCAGATGGGACAC[TC>T]TAAGATTTTCTGCATAGCATTAATGACATTTTGTACTTCTTCAACGCGAAGAGCAGATAA-3'

ClinVar aggregate classification (germline): Pathogenic (1 of 4 stars; one submission).

Conditions:
Hereditary cancer-predisposing syndrome. Also called: Neoplastic Syndromes, Hereditary; Tumor predisposition; Hereditary Cancer Syndrome; Hereditary neoplastic syndrome. Identifiers: Orphanet 140162, MedGen C0027672, MeSH D009386, MONDO:0015356.

Submission:

Ambry Genetics
Classification: Pathogenic for Hereditary cancer-predisposing syndrome. Last evaluated: 2019-03-29. Review status: criteria provided, single submitter. Criteria: Ambry Variant Classification Scheme 2023. Collection method: clinical testing. Allele origin: germline.
Comment: The c.67delG pathogenic mutation, located in coding exon 1 of the BRCA1 gene, results from a deletion of one nucleotide at nucleotide position 67, causing a translational frameshift with a predicted alternate stop codon (p.E23Sfs*8). This alteration is expected to result in loss of function by premature protein truncation or nonsense-mediated mRNA decay. As such, this alteration is interpreted as a disease-causing mutation.